The following is an entry in ClinVar:

NM_001282933.2(ZNF341):c.191C>T (p.Ser64Leu)

Gene: ZNF341 (zinc finger protein 341; plus strand). Cytogenetic location: 20q11.22.
Variant type: single nucleotide variant.
Coding change: c.191C>T on transcript NM_001282933.2 (MANE Select); coding-DNA position 191, C replaced by T.
Protein change: p.Ser64Leu; replaces serine 64 with leucine.
Molecular consequence: missense variant. On other transcripts: non-coding transcript variant (1), intron variant (1).
Genome position (GRCh38, 1-based): chr20:33,745,151, C>T. VCF-style: chr20-33745151-C-T. GRCh37 (hg19) VCF-style: chr20-32332957-C-T.
Other names: c.191C>T, p.Ser64Leu (NM_032819.5); c.70-3772C>T (NM_001282935.2); short protein forms S64L.
Identifiers: ClinVar variation 2075720 (VCV002075720.4), dbSNP rs762977186, ClinGen allele CA9819094.
Genomic context (GRCh38, chr20:33,745,151, plus strand): 5'-GTATGACCCCAGATGACGAGGATGTATTTCTCTGCGGGAAGTGTAAGAAGCAATTCAACT[C>T]GCTGCCAGCGTTTATGACCCACAAGCGGGAACAGTGCCAGGGGAATGCCCCCGCCCTGGC-3'
Protein context (NP_001269862.1, residues 54-74): LCGKCKKQFN[Ser64Leu]LPAFMTHKRE

ClinVar aggregate classification (germline): Uncertain significance (1 of 4 stars; one submission).

Allele frequency attached by ClinVar (database versions not stated): TOPMed 0.00002; ExAC 0.00002; gnomAD 0.00002.
gnomAD v4.1: 14 of 1,613,888 alleles (0.00087%); highest among the groups gnomAD compares: East Asian, 0.0067%; no homozygotes.

Submission:

Labcorp Genetics (formerly Invitae), Labcorp
Classification: Uncertain significance. Last evaluated: 2025-12-01. Review status: criteria provided, single submitter. Criteria: Invitae Variant Classification Sherloc (09022015). Collection method: clinical testing. Allele origin: germline.
Comment: This sequence change replaces serine, which is neutral and polar, with leucine, which is neutral and non-polar, at codon 64 of the ZNF341 protein (p.Ser64Leu). This variant is present in population databases (rs762977186, gnomAD 0.01%). This variant has not been reported in the literature in individuals affected with ZNF341-related conditions. ClinVar contains an entry for this variant (Variation ID: 2075720). An algorithm developed to predict the effect of missense changes on protein structure and function (PolyPhen-2) suggests that this variant is likely to be tolerated. In summary, the available evidence is currently insufficient to determine the role of this variant in disease. Therefore, it has been classified as a Variant of Uncertain Significance.